The following is an entry in ClinVar:

NM_000158.4(GBE1):c.56A>G (p.Asn19Ser)

Gene: GBE1 (1,4-alpha-glucan branching enzyme 1; minus strand). Cytogenetic location: 3p12.2.
Variant type: single nucleotide variant.
Coding change: c.56A>G on transcript NM_000158.4 (MANE Select); coding-DNA position 56, A replaced by G.
Protein change: p.Asn19Ser; replaces asparagine 19 with serine.
Molecular consequence: missense variant.
Genome position (GRCh38, 1-based): chr3:81,761,462, T>C on the plus strand (A>G on the coding strand, the complement: GBE1 is on the minus strand). VCF-style: chr3-81761462-T-C. GRCh37 (hg19) VCF-style: chr3-81810613-T-C.
Other names: short protein forms N19S.
Identifiers: ClinVar variation 2164822 (VCV002164822.1), dbSNP rs769594412, ClinGen allele CA2500104.
Genomic context (GRCh38, chr3:81,761,462, plus strand): 5'-TTCAAGTACGGGTCGATCTCCAGGAGTCTGGCCAGTTCGGGCACGTCAGCCAGGGCGGCA[T>C]TGAGCGCCGCCTCGTAGTCCTCGGGCCGAGCCGCGGGAGTCATCGGAGCCGCCATATTCC-3'
Protein context (NP_000149.4, residues 9-29): ARPEDYEAAL[Asn19Ser]AALADVPELA

ClinVar aggregate classification (germline): Uncertain significance (1 of 4 stars; one submission).

Conditions:
Glycogen storage disease IV, classic hepatic. Also called: GSD IV, CLASSIC HEPATIC. Identifiers: MedGen C1856301.
Glycogen storage disease, type IV (GSD4). Also called: BRANCHER DEFICIENCY; CIRRHOSIS, FAMILIAL, WITH DEPOSITION OF ABNORMAL GLYCOGEN; AMYLOPECTINOSIS; ANDERSEN DISEASE; Glycogen storage disease due to glycogen branching enzyme deficiency; GBE1 DEFICIENCY. Identifiers: Orphanet 367, MedGen C0017923, MONDO:0009292, OMIM 232500.

Allele frequency attached by ClinVar (database versions not stated): gnomAD exomes 0.00001; TOPMed 0.00002; ExAC 0.00003; gnomAD 0.00003.
gnomAD v4.1: 24 of 1,613,392 alleles (0.0015%); highest among the groups gnomAD compares: African/African-American, 0.0067%; no homozygotes.

Submission:

Labcorp Genetics (formerly Invitae), Labcorp
Classification: Uncertain significance for Glycogen storage disease, type IV; Glycogen storage disease IV, classic hepatic. Last evaluated: 2022-02-04. Review status: criteria provided, single submitter. Criteria: Invitae Variant Classification Sherloc (09022015). Collection method: clinical testing. Allele origin: germline.
Comment: This sequence change replaces asparagine, which is neutral and polar, with serine, which is neutral and polar, at codon 19 of the GBE1 protein (p.Asn19Ser). This variant is present in population databases (rs769594412, gnomAD 0.008%). This variant has not been reported in the literature in individuals affected with GBE1-related conditions. Advanced modeling of protein sequence and biophysical properties (such as structural, functional, and spatial information, amino acid conservation, physicochemical variation, residue mobility, and thermodynamic stability) performed at Invitae indicates that this missense variant is not expected to disrupt GBE1 protein function. In summary, the available evidence is currently insufficient to determine the role of this variant in disease. Therefore, it has been classified as a Variant of Uncertain Significance.